The following is an entry in ClinVar:

NM_004733.4(SLC33A1):c.46C>A (p.Pro16Thr)

Gene: SLC33A1 (solute carrier family 33 member 1; minus strand). Cytogenetic location: 3q25.31.
Variant type: single nucleotide variant.
Coding change: c.46C>A on transcript NM_004733.4 (MANE Select); coding-DNA position 46, C replaced by A.
Protein change: p.Pro16Thr; replaces proline 16 with threonine.
Molecular consequence: missense variant.
Genome position (GRCh38, 1-based): chr3:155,853,952, G>T on the plus strand (C>A on the coding strand, the complement: SLC33A1 is on the minus strand). VCF-style: chr3-155853952-G-T. GRCh37 (hg19) VCF-style: chr3-155571741-G-T.
Other names: c.46C>A, p.Pro16Thr (NM_001190992.2, NM_001363883.1); short protein forms P16T.
Identifiers: ClinVar variation 1714367 (VCV001714367.5), dbSNP rs1577482991, ClinGen allele CA355144713.
Genomic context (GRCh38, chr3:155,853,952, plus strand): 5'-CCCAACCGCCTGGCGGCAGGGGACCGCTCTTCATATCCAGAGAGTGACTGAAATTCCCTG[G>T]CCGCCGTTGCCGGCTGCTGTCCTTGTGGGAGATGGTGGGTGACATATCAGAGACGATGCA-3'
Protein context (NP_004724.1, residues 6-26): SHKDSSRQRR[Pro16Thr]GNFSHSLDMK

ClinVar aggregate classification (germline): Uncertain significance (1 of 4 stars; one submission).

Conditions:
Spastic paraplegia. Identifiers: MedGen C0037772, HP:0001258.

Submission:

Labcorp Genetics (formerly Invitae), Labcorp
Classification: Uncertain significance for Spastic paraplegia. Last evaluated: 2022-08-08. Review status: criteria provided, single submitter. Criteria: Invitae Variant Classification Sherloc (09022015). Collection method: clinical testing. Allele origin: germline.
Comment: In summary, the available evidence is currently insufficient to determine the role of this variant in disease. Therefore, it has been classified as a Variant of Uncertain Significance. Algorithms developed to predict the effect of missense changes on protein structure and function (SIFT, PolyPhen-2, Align-GVGD) all suggest that this variant is likely to be tolerated. This variant has not been reported in the literature in individuals affected with SLC33A1-related conditions. This variant is not present in population databases (gnomAD no frequency). This sequence change replaces proline, which is neutral and non-polar, with threonine, which is neutral and polar, at codon 16 of the SLC33A1 protein (p.Pro16Thr).